The following is an entry in ClinVar:

ClinVar aggregate classification (germline): Uncertain significance (1 of 4 stars; one submission).

Conditions:
Hyperkalemic periodic paralysis. Also called: Familial hyperkalemic periodic paralysis; Gamstorp disease. Identifiers: Orphanet 682, MedGen C0238357, MONDO:0008224, OMIM 170500, HP:0007215.

Submission:

Labcorp Genetics (formerly Invitae), Labcorp
Classification: Uncertain significance for Hyperkalemic periodic paralysis. Last evaluated: 2026-01-07. Review status: criteria provided, single submitter. Criteria: Invitae Variant Classification Sherloc (09022015). Collection method: clinical testing. Allele origin: germline.
Comment: This sequence change replaces methionine, which is neutral and non-polar, with threonine, which is neutral and polar, at codon 1501 of the SCN4A protein (p.Met1501Thr). This variant is not present in population databases (gnomAD no frequency). This variant has not been reported in the literature in individuals affected with SCN4A-related conditions. Invitae Evidence Modeling of protein sequence and biophysical properties (such as structural, functional, and spatial information, amino acid conservation, physicochemical variation, residue mobility, and thermodynamic stability) indicates that this missense variant is expected to disrupt SCN4A protein function with a positive predictive value of 95%. In summary, the available evidence is currently insufficient to determine the role of this variant in disease. Therefore, it has been classified as a Variant of Uncertain Significance.

NM_000334.4(SCN4A):c.4502T>C (p.Met1501Thr)

Genes: SCN4A (sodium voltage-gated channel alpha subunit 4; minus strand), GH-LCR (growth hormone locus control region; plus strand). Cytogenetic location: 17q23.3.
Variant type: single nucleotide variant.
Coding change: c.4502T>C on transcript NM_000334.4 (MANE Select); coding-DNA position 4502, T replaced by C.
Protein change: p.Met1501Thr; replaces methionine 1501 with threonine.
Molecular consequence: missense variant.
Genome position (GRCh38, 1-based): chr17:63,941,780, A>G on the plus strand (T>C on the coding strand, the complement: SCN4A is on the minus strand). VCF-style: chr17-63941780-A-G. GRCh37 (hg19) VCF-style: chr17-62019140-A-G.
Other names: short protein forms M1501T.
Identifiers: ClinVar variation 4804423 (VCV004804423.1).